The following is an entry in ClinVar:

ClinVar aggregate classification (germline): Pathogenic. Review status: criteria provided, multiple submitters, no conflicts (2 of 4 stars). 2 submissions from 2 submitters: Pathogenic (2). Last evaluated 2026-05-27.

Conditions:
Colorectal cancer. Also called: Colorectal cancer, somatic; Malignant Colorectal Neoplasm. Identifiers: MedGen C0346629, MONDO:0005575, OMIM 114500.
Endometrial carcinoma. Also called: Endometrial carcinoma, somatic. Identifiers: MedGen C0476089, MONDO:0002447, OMIM 608089, HP:0012114.
Colorectal cancer, hereditary nonpolyposis, type 7. Identifiers: Orphanet 144, MedGen C1858380, MONDO:0013725, OMIM 614385.

Submissions (2):

Ambry Genetics
Classification: Pathogenic. Last evaluated: 2026-05-27. Review status: criteria provided, single submitter. Criteria: Ambry Variant Classification Scheme 2023. Collection method: clinical testing. Allele origin: germline.
Comment: The p.Q423* variant (also known as c.1267C>T), located in coding exon 1 of the MLH3 gene, results from a C to T substitution at nucleotide position 1267. This changes the amino acid from a glutamine to a stop codon within coding exon 1. This variant is considered to be rare based on population cohorts in the Genome Aggregation Database (gnomAD). This alteration is expected to result in loss of function by premature protein truncation or nonsense-mediated mRNA decay. As such, this variant is interpreted as a disease-causing mutation.

Department of Pathology and Laboratory Medicine, Sinai Health System
Classification: Pathogenic for Colorectal cancer; Endometrial carcinoma; Colorectal cancer, hereditary nonpolyposis, type 7. Last evaluated: 2024-12-05. Review status: criteria provided, single submitter. Criteria: ACMG Guidelines, 2015. Collection method: clinical testing. Allele origin: germline.

NM_001040108.2(MLH3):c.1267C>T (p.Gln423Ter)

Gene: MLH3 (mutL homolog 3; minus strand). Cytogenetic location: 14q24.3.
Variant type: single nucleotide variant.
Coding change: c.1267C>T on transcript NM_001040108.2 (MANE Select); coding-DNA position 1267, C replaced by T.
Protein change: p.Gln423Ter; replaces glutamine 423 with a stop codon.
Molecular consequence: nonsense.
Genome position (GRCh38, 1-based): chr14:75,048,389, G>A on the plus strand (C>T on the coding strand, the complement: MLH3 is on the minus strand). VCF-style: chr14-75048389-G-A. GRCh37 (hg19) VCF-style: chr14-75515092-G-A.
Other names: c.1267C>T, p.Gln423Ter (NM_014381.3); short protein forms Q423*.
Identifiers: ClinVar variation 3396646 (VCV003396646.3).